The following is an entry in ClinVar:

NM_018474.6(KIZ):c.1579G>A (p.Val527Ile)

Genes: KIZ (kizuna centrosomal protein; plus strand), KIZ-AS1 (KIZ antisense RNA 1; minus strand). Cytogenetic location: 20p11.23.
Variant type: single nucleotide variant.
Coding change: c.1579G>A on transcript NM_018474.6 (MANE Select); coding-DNA position 1579, G replaced by A.
Protein change: p.Val527Ile; replaces valine 527 with isoleucine.
Molecular consequence: missense variant.
Genome position (GRCh38, 1-based): chr20:21,214,667, G>A. VCF-style: chr20-21214667-G-A. GRCh37 (hg19) VCF-style: chr20-21195305-G-A.
Other names: c.1270G>A, p.Val424Ile (NM_001163022.3); c.1180G>A, p.Val394Ile (NM_001163023.3); c.1432G>A, p.Val478Ile (NM_001276389.2); c.1525G>A, p.Val509Ile (NM_001352434.2); c.1216G>A, p.Val406Ile (NM_001352435.2); c.1237G>A, p.Val413Ile (NM_001352436.2); short protein forms V406I, V413I, V424I, V394I, V478I, V527I, V509I.
Identifiers: ClinVar variation 1345185 (VCV001345185.5), dbSNP rs929616106, ClinGen allele CA312985362.

ClinVar aggregate classification (germline): Uncertain significance. Review status: criteria provided, multiple submitters, no conflicts (2 of 4 stars). 2 submissions from 2 submitters: Uncertain significance (2). Last evaluated 2024-09-30.

Allele frequency attached by ClinVar (database versions not stated): gnomAD 0.00001; gnomAD exomes 0.00001 and 0.00002; TOPMed 0.00002.
gnomAD v4.1: 18 of 1,612,954 alleles (0.0011%); highest among the groups gnomAD compares: Admixed American, 0.0017%; no homozygotes.

Submissions (2):

Blueprint Genetics
Classification: Uncertain significance. Last evaluated: 2024-09-30. Review status: criteria provided, single submitter. Criteria: ACMG Guidelines, 2015. Collection method: clinical testing. Allele origin: germline.

Labcorp Genetics (formerly Invitae), Labcorp
Classification: Uncertain significance. Last evaluated: 2022-09-19. Review status: criteria provided, single submitter. Criteria: Invitae Variant Classification Sherloc (09022015). Collection method: clinical testing. Allele origin: germline.
Comment: This variant has not been reported in the literature in individuals affected with KIZ-related conditions. This variant is present in population databases (no rsID available, gnomAD 0.005%). This sequence change replaces valine, which is neutral and non-polar, with isoleucine, which is neutral and non-polar, at codon 527 of the KIZ protein (p.Val527Ile). ClinVar contains an entry for this variant (Variation ID: 1345185). In summary, the available evidence is currently insufficient to determine the role of this variant in disease. Therefore, it has been classified as a Variant of Uncertain Significance. Experimental studies and prediction algorithms are not available or were not evaluated, and the functional significance of this variant is currently unknown.